The following is an entry in ClinVar:

NM_000238.4(KCNH2):c.124A>T (p.Ile42Phe)

Gene: KCNH2 (potassium voltage-gated channel subfamily H member 2; minus strand). Cytogenetic location: 7q36.1.
Variant type: single nucleotide variant.
Coding change: c.124A>T on transcript NM_000238.4 (MANE Select); coding-DNA position 124, A replaced by T.
Protein change: p.Ile42Phe; replaces isoleucine 42 with phenylalanine.
Molecular consequence: missense variant. On other transcripts: 5 prime UTR variant (1), non-coding transcript variant (1).
Genome position (GRCh38, 1-based): chr7:150,974,894, T>A on the plus strand (A>T on the coding strand, the complement: KCNH2 is on the minus strand). VCF-style: chr7-150974894-T-A. GRCh37 (hg19) VCF-style: chr7-150671982-T-A.
Other names: c.-54A>T (NM_001406755.1); c.124A>T, p.Ile42Phe (NM_172056.3); short protein forms I42F.
Identifiers: ClinVar variation 3236802 (VCV003236802.3), dbSNP rs1801940339.

ClinVar aggregate classification (germline): Conflicting classifications of pathogenicity. Review status: criteria provided, conflicting classifications (1 of 4 stars). 2 submissions from 2 submitters: Likely pathogenic (1); Uncertain significance (1). Last evaluated 2024-12-15.

Conditions:
Long QT syndrome 2 (LQT2). Identifiers: Orphanet 101016, Orphanet 768, MedGen C3150943, MONDO:0013367, OMIM 613688.
Long QT syndrome (LQTS). Identifiers: MedGen C0023976, MeSH D008133, MONDO:0002442. Disease mechanism: loss of function. Inheritance: Various modes of inheritance.

Submissions (2):

Labcorp Genetics (formerly Invitae), Labcorp
Classification: Uncertain significance for Long QT syndrome. Last evaluated: 2024-12-15. Review status: criteria provided, single submitter. Criteria: Invitae Variant Classification Sherloc (09022015). Collection method: clinical testing. Allele origin: germline.
Comment: This sequence change replaces isoleucine, which is neutral and non-polar, with phenylalanine, which is neutral and non-polar, at codon 42 of the KCNH2 protein (p.Ile42Phe). This variant is not present in population databases (gnomAD no frequency). This missense change has been observed in individual(s) with Long QT syndrome (internal data). ClinVar contains an entry for this variant (Variation ID: 3236802). An algorithm developed to predict the effect of missense changes on protein structure and function (PolyPhen-2) suggests that this variant is likely to be disruptive. This variant disrupts the p.Ile42 amino acid residue in KCNH2. Other variant(s) that disrupt this residue have been observed in individuals with KCNH2-related conditions (PMID: 17905336, 25417810, 31557540; internal data), which suggests that this may be a clinically significant amino acid residue. In summary, the available evidence is currently insufficient to determine the role of this variant in disease. Therefore, it has been classified as a Variant of Uncertain Significance.

MVZ Medizinische Genetik Mainz
Classification: Likely pathogenic for Long QT syndrome 2. Last evaluated: 2023-07-13. Review status: criteria provided, single submitter. Criteria: UK Practice Guidelines For Variant Classification V4 01 2020. Collection method: clinical testing. Allele origin: germline. Inheritance: Autosomal dominant inheritance. Affected: yes. Observed: 1 variant allele.
Comment: ACMG Criteria: PM1,PP3_MOD,PM5_SUP,PP2

Literature cited by the submitters: PubMed 17905336 (cited by Labcorp Genetics (formerly Invitae), Labcorp); PubMed 25417810 (cited by Labcorp Genetics (formerly Invitae), Labcorp); PubMed 31557540 (cited by Labcorp Genetics (formerly Invitae), Labcorp).